The following is an entry in ClinVar:

NM_004667.6(HERC2):c.12431G>A (p.Arg4144His)

Gene: HERC2 (HECT and RLD domain containing E3 ubiquitin protein ligase 2; minus strand). Cytogenetic location: 15q13.1.
Variant type: single nucleotide variant.
Coding change: c.12431G>A on transcript NM_004667.6 (MANE Select); coding-DNA position 12431, G replaced by A.
Protein change: p.Arg4144His; replaces arginine 4144 with histidine.
Molecular consequence: missense variant.
Genome position (GRCh38, 1-based): chr15:28,132,239, C>T on the plus strand (G>A on the coding strand, the complement: HERC2 is on the minus strand). VCF-style: chr15-28132239-C-T. GRCh37 (hg19) VCF-style: chr15-28377385-C-T.
Other names: c.12431G>A (NM_004667.5); short protein forms R4144H.
Identifiers: ClinVar variation 2398022 (VCV002398022.4), dbSNP rs768130151, ClinGen allele CA7440308.
Genomic context (GRCh38, chr15:28,132,239, plus strand): 5'-TCGTCATCTGTGAGGCAGAGGGTCTGGGCATCTCCACTGCCACAGGCGATGTCAACCACA[C>T]GGTGGCCCTGCAGCGCCTCCACCTTCAGAGAAAAGGGACTTGGGTTGGCCAAGCACAACA-3'
Protein context (NP_004658.3, residues 4134-4154): PKLVEALQGH[Arg4144His]VVDIACGSGD

ClinVar aggregate classification (germline): Uncertain significance. Review status: criteria provided, multiple submitters, no conflicts (2 of 4 stars). 2 submissions from 2 submitters: Uncertain significance (2). Last evaluated 2024-07-30.

Conditions:
Inborn genetic diseases. Identifiers: MedGen C0950123, MeSH D030342.

Allele frequency attached by ClinVar (database versions not stated): gnomAD 0.00002; TOPMed 0.00002; ExAC 0.00003; gnomAD exomes 0.00008.
gnomAD v4.1: 119 of 1,612,276 alleles (0.0074%); highest among the groups gnomAD compares: Admixed American, 0.01%; no homozygotes.

Submissions (2):

Ambry Genetics
Classification: Uncertain significance for Inborn genetic diseases. Last evaluated: 2024-07-30. Review status: criteria provided, single submitter. Criteria: Ambry Variant Classification Scheme 2023. Collection method: clinical testing. Allele origin: germline.

GeneDx
Classification: Uncertain significance. Last evaluated: 2024-04-16. Review status: criteria provided, single submitter. Criteria: GeneDx Variant Classification Process June 2021. Collection method: clinical testing. Allele origin: germline. Affected: yes.
Comment: In silico analysis supports that this missense variant has a deleterious effect on protein structure/function; Has not been previously published as pathogenic or benign to our knowledge